The following is an entry in ClinVar:

ClinVar aggregate classification (germline): Uncertain significance (1 of 4 stars; one submission).

Allele frequency attached by ClinVar (database versions not stated): gnomAD 0.00001; TOPMed 0.00001.
gnomAD v4.1: 2 of 1,601,008 alleles (0.00012%); highest among the groups gnomAD compares: African/African-American, 0.0013%; no homozygotes.

Submission:

GeneDx
Classification: Uncertain significance. Last evaluated: 2022-12-05. Review status: criteria provided, single submitter. Criteria: GeneDx Variant Classification Process June 2021. Collection method: clinical testing. Allele origin: germline. Affected: yes.
Comment: Not observed at significant frequency in large population cohorts (gnomAD); In silico analysis supports that this variant does not alter splicing; Has not been previously published as pathogenic or benign to our knowledge

NM_018896.5(CACNA1G):c.1141-8C>A

Gene: CACNA1G (calcium voltage-gated channel subunit alpha1 G; plus strand). Cytogenetic location: 17q21.33.
Variant type: single nucleotide variant.
Coding change: c.1141-8C>A on transcript NM_018896.5 (MANE Select); 8 bases into the intron before coding-DNA position 1141, C replaced by A.
Molecular consequence: intron variant.
Genome position (GRCh38, 1-based): chr17:50,575,535, C>A. VCF-style: chr17-50575535-C-A. GRCh37 (hg19) VCF-style: chr17-48652896-C-A.
Other names: c.1141-8C>A (NM_001256325.2, NM_198377.3, NM_198380.3 and 24 more transcripts).
Identifiers: ClinVar variation 2504444 (VCV002504444.1), dbSNP rs987308687, ClinGen allele CA291595613.